The following is an entry in ClinVar:

NM_001394062.1(MACF1):c.15401A>C (p.Gln5134Pro)

Gene: MACF1 (microtubule actin crosslinking factor 1; plus strand). Cytogenetic location: 1p34.3.
Variant type: single nucleotide variant.
Coding change: c.15401A>C on transcript NM_001394062.1 (MANE Select); coding-DNA position 15401, A replaced by C.
Protein change: p.Gln5134Pro; replaces glutamine 5134 with proline.
Molecular consequence: missense variant.
Genome position (GRCh38, 1-based): chr1:39,388,243, A>C. VCF-style: chr1-39388243-A-C. GRCh37 (hg19) VCF-style: chr1-39853915-A-C.
Other names: c.9215A>C, p.Gln3072Pro (NM_012090.5); short protein forms Q3072P, Q5134P.
Identifiers: ClinVar variation 1708941 (VCV001708941.3), dbSNP rs2522644030, ClinGen allele CA339745333.

ClinVar aggregate classification (germline): Uncertain significance (1 of 4 stars; one submission).

Submission:

GeneDx
Classification: Uncertain significance. Last evaluated: 2026-09-09. Review status: criteria provided, single submitter. Criteria: GeneDx Variant Classification Process June 2021. Collection method: clinical testing. Allele origin: germline.
Comment: Not observed at significant frequency in large population cohorts (gnomAD); In silico analysis supports that this missense variant has a deleterious effect on protein structure/function; Has not been previously published as pathogenic or benign to our knowledge